The following is an entry in ClinVar:

NM_001429.4(EP300):c.1512G>A (p.Arg504=)

Gene: EP300 (EP300 lysine acetyltransferase; plus strand). Cytogenetic location: 22q13.2.
Variant type: single nucleotide variant.
Coding change: c.1512G>A on transcript NM_001429.4 (MANE Select); coding-DNA position 1512, G replaced by A.
Protein change: p.Arg504=; no amino-acid change (arginine 504 retained).
Molecular consequence: synonymous variant.
Genome position (GRCh38, 1-based): chr22:41,131,617, G>A. VCF-style: chr22-41131617-G-A. GRCh37 (hg19) VCF-style: chr22-41527621-G-A.
Other names: c.1512G>A, p.Arg504= (NM_001362843.2).
Identifiers: ClinVar variation 4982668 (VCV004982668.1).

ClinVar aggregate classification (germline): Likely benign (1 of 4 stars; one submission).

Conditions:
EP300-related disorder. Also called: EP300-related condition; EP300-related disorders.

gnomAD v4.1: 1 of 1,614,120 alleles (0.000062%); highest among the groups gnomAD compares: Non-Finnish European, 0.000085%; no homozygotes.

Submission:

PreventionGenetics, part of Exact Sciences
Classification: Likely benign for EP300-related condition. Last evaluated: 2025-12-23. Review status: criteria provided, single submitter. Criteria: ACMG Guidelines, 2015. Collection method: clinical testing. Allele origin: germline.
Comment: This variant is classified as likely benign based on ACMG/AMP sequence variant interpretation guidelines (Richards et al. 2015 PMID: 25741868, with internal and published modifications).